The following is an entry in ClinVar:

NM_000371.4(TTR):c.11_13del (p.His4del)

Gene: TTR (transthyretin; plus strand). Cytogenetic location: 18q12.1.
Variant type: Deletion.
Coding change: c.11_13del on transcript NM_000371.4 (MANE Select); coding-DNA positions 11 to 13, 3 bases deleted (ATC; older notation c.11_13delATC).
Protein change: p.His4del; deletes histidine 4.
Molecular consequence: inframe deletion.
Genome position (GRCh38, 1-based): chr18:31,591,913-31,591,915, ATC deleted; deleting any 3 consecutive bases within chr18:31,591,911-31,591,915 gives the same sequence; the c. name uses the placement nearest the transcript's 3' end. VCF-style (leftmost placement, unchanged base first): chr18-31591910-CTCA-C. GRCh37 (hg19) VCF-style: chr18-29171873-CTCA-C.
Other names: c.11_13delATC (NM_000371.3); short protein forms H4del.
Identifiers: ClinVar variation 658582 (VCV000658582.8), dbSNP rs747545126, ClinGen allele CA8928375.
Genomic context (GRCh38, chr18:31,591,910, plus strand): 5'-AAAAGCCCCAGGCTGGGAGCAGCCATCACAGAAGTCCACTCATTCTTGGCAGGATGGCTT[CTCA>C]TCGTCTGCTCCTCCTCTGCCTTGCTGGACTGGTATTTGTGTCTGAGGCTGGCCCTACGGT-3'

ClinVar aggregate classification (germline): Uncertain significance. Review status: criteria provided, multiple submitters, no conflicts (2 of 4 stars). 3 submissions from 3 submitters: Uncertain significance (3). Last evaluated 2026-01-19.

Conditions:
Cardiovascular phenotype. Identifiers: MedGen CN230736.
Amyloidosis, hereditary systemic 1 (AMYLD1). Also called: Familial amyloid polyneuropathy; Transthyretin Amyloidosis; Hereditary oculoleptomeningeal amyloid angiopathy; Familial Transthyretin Amyloidosis; Isolated Cardiac Amyloidosis; Amyloid Cardiomyopathy, Transthyretin-related. Identifiers: Orphanet 85447, Orphanet 85451, MedGen C2751492, MONDO:0971004, OMIM 105210.
Carpal tunnel syndrome 1 (CTS1). Also called: Carpal tunnel syndrome, familial. Identifiers: MedGen C5779776, MONDO:0020730, OMIM 115430.
Hyperthyroxinemia, dystransthyretinemic. Also called: HYPERTHYROXINEMIA, DYSPREALBUMINEMIC; EUTHRYROIDAL HYPERTHYROXINEMIA 2. Identifiers: MedGen C2750824, MONDO:0007785, OMIM 145680.

Submissions (3):

Labcorp Genetics (formerly Invitae), Labcorp
Classification: Uncertain significance for Amyloidosis, hereditary systemic 1. Last evaluated: 2026-01-19. Review status: criteria provided, single submitter. Criteria: Invitae Variant Classification Sherloc (09022015). Collection method: clinical testing. Allele origin: germline.
Comment: This variant, c.11_13del, results in the deletion of 1 amino acid(s) of the TTR protein (p.His4del), but otherwise preserves the integrity of the reading frame. This variant is present in population databases (rs755527537, gnomAD 0.003%). This variant has not been reported in the literature in individuals affected with TTR-related conditions. ClinVar contains an entry for this variant (Variation ID: 658582). Experimental studies and prediction algorithms are not available or were not evaluated, and the functional significance of this variant is currently unknown. Algorithms developed to predict the effect of sequence changes on RNA splicing suggest that this variant may disrupt the consensus splice site. In summary, the available evidence is currently insufficient to determine the role of this variant in disease. Therefore, it has been classified as a Variant of Uncertain Significance.

Ambry Genetics
Classification: Uncertain significance for Cardiovascular phenotype. Last evaluated: 2024-09-09. Review status: criteria provided, single submitter. Criteria: Ambry Variant Classification Scheme 2023. Collection method: clinical testing. Allele origin: germline.
Comment: The c.11_13delATC variant (also known as p.H4del) is located in coding exon 1 of the TTR gene. This variant results from an in-frame ATC deletion at nucleotide positions 11 to 13. This results in the in-frame deletion of a histidine at codon 4. This amino acid position is not well conserved in available vertebrate species. In addition, this alteration is predicted to be neutral by in silico analysis (Choi Y et al. PLoS ONE. 2012; 7(10):e46688). Based on the available evidence, the clinical significance of this variant remains unclear.

Fulgent Genetics
Classification: Uncertain significance for Amyloidosis, hereditary systemic 1; Carpal tunnel syndrome 1; Hyperthyroxinemia, dystransthyretinemic. Last evaluated: 2021-11-11. Review status: criteria provided, single submitter. Criteria: ACMG Guidelines, 2015. Collection method: clinical testing. Allele origin: unknown.